The following is an entry in ClinVar:

ClinVar aggregate classification (germline): Pathogenic (1 of 4 stars; one submission).

Conditions:
Hereditary hemorrhagic telangiectasia (HHT). Also called: ORW DISEASE; Osler Weber Rendu syndrome; OSLER-RENDU-WEBER DISEASE; Osler hemorrhagic telangiectasia syndrome. Identifiers: Orphanet 774, MedGen C0039445, MONDO:0019180. Disease mechanism: loss of function.

Submission:

Labcorp Genetics (formerly Invitae), Labcorp
Classification: Pathogenic for Hereditary hemorrhagic telangiectasia. Last evaluated: 2024-10-21. Review status: criteria provided, single submitter. Criteria: Invitae Variant Classification Sherloc (09022015). Collection method: clinical testing. Allele origin: germline.
Comment: This sequence change creates a premature translational stop signal (p.Glu38*) in the ENG gene. It is expected to result in an absent or disrupted protein product. Loss-of-function variants in ENG are known to be pathogenic (PMID: 15879500). This variant is not present in population databases (gnomAD no frequency). This variant has not been reported in the literature in individuals affected with ENG-related conditions. For these reasons, this variant has been classified as Pathogenic.

Literature cited by the submitters: PubMed 15879500.

NM_001114753.3(ENG):c.112G>T (p.Glu38Ter)

Gene: ENG (endoglin; minus strand). Cytogenetic location: 9q34.11.
Variant type: single nucleotide variant.
Coding change: c.112G>T on transcript NM_001114753.3 (MANE Select); coding-DNA position 112, G replaced by T.
Protein change: p.Glu38Ter; replaces glutamic acid 38 with a stop codon.
Molecular consequence: nonsense. On other transcripts: 5 prime UTR variant (1).
Genome position (GRCh38, 1-based): chr9:127,843,201, C>A on the plus strand (G>T on the coding strand, the complement: ENG is on the minus strand). VCF-style: chr9-127843201-C-A. GRCh37 (hg19) VCF-style: chr9-130605480-C-A.
Other names: c.112G>T, p.Glu38Ter (NM_000118.4, NM_001406715.1); c.-435G>T (NM_001278138.2); short protein forms E38*.
Identifiers: ClinVar variation 3650172 (VCV003650172.2).